The following is an entry in ClinVar:

ClinVar aggregate classification (germline): Uncertain significance (1 of 4 stars; one submission).

gnomAD v4.1: 1 of 1,549,144 alleles (0.000065%); no homozygotes.

Submission:

Mayo Clinic Laboratories, Mayo Clinic
Classification: Uncertain significance. Last evaluated: 2025-05-07. Review status: criteria provided, single submitter. Criteria: ACMG Guidelines, 2015. Collection method: clinical testing. Allele origin: germline. Observed: 1 variant allele.
Comment: BP4_moderate, PM2_supporting

NM_001142864.4(PIEZO1):c.4456G>C (p.Glu1486Gln)

Gene: PIEZO1 (piezo type mechanosensitive ion channel component 1 (Er blood group); minus strand). Cytogenetic location: 16q24.3.
Variant type: single nucleotide variant.
Coding change: c.4456G>C on transcript NM_001142864.4 (MANE Select); coding-DNA position 4456, G replaced by C.
Protein change: p.Glu1486Gln; replaces glutamic acid 1486 with glutamine.
Molecular consequence: missense variant.
Genome position (GRCh38, 1-based): chr16:88,723,134, C>G on the plus strand (G>C on the coding strand, the complement: PIEZO1 is on the minus strand). VCF-style: chr16-88723134-C-G. GRCh37 (hg19) VCF-style: chr16-88789542-C-G.
Other names: p.Glu1486Gln; short protein forms E1486Q.
Identifiers: ClinVar variation 4542090 (VCV004542090.1).
Genomic context (GRCh38, chr16:88,723,134, plus strand): 5'-CCCAGCCCCGGGCCCACGTACCTGCCGCTGCCTCCTCGGGGCCCTCTGCTGGCTCCACCT[C>G]CTGGCTGGGACCACCTCCTGGGCACAGGATGCTGGTGAGTGACTGGCAGTCCCGCGGCTT-3'
Protein context (NP_001136336.2, residues 1476-1496): QLPTGGGPSQ[Glu1486Gln]VEPAEGPEEA